The following is an entry in ClinVar:

NM_001206927.2(DNAH8):c.656T>C (p.Met219Thr)

Gene: DNAH8 (dynein axonemal heavy chain 8; plus strand). Cytogenetic location: 6p21.2.
Variant type: single nucleotide variant.
Coding change: c.656T>C on transcript NM_001206927.2 (MANE Select); coding-DNA position 656, T replaced by C.
Protein change: p.Met219Thr; replaces methionine 219 with threonine.
Molecular consequence: missense variant.
Genome position (GRCh38, 1-based): chr6:38,734,519, T>C. VCF-style: chr6-38734519-T-C. GRCh37 (hg19) VCF-style: chr6-38702295-T-C.
Other names: c.5T>C, p.Met2Thr (NM_001371.4); c.656T>C (NM_001206927.1); short protein forms M219T, M2T.
Identifiers: ClinVar variation 1393949 (VCV001393949.7), dbSNP rs761327493, ClinGen allele CA3788006.

ClinVar aggregate classification (germline): Uncertain significance. Review status: criteria provided, multiple submitters, no conflicts (2 of 4 stars). 2 submissions from 2 submitters: Uncertain significance (2). Last evaluated 2023-03-24.

Conditions:
Primary ciliary dyskinesia. Also called: Ciliary dyskinesia. Identifiers: Orphanet 244, MedGen C0008780, MONDO:0016575, HP:0012265.

Allele frequency attached by ClinVar (database versions not stated): ExAC 0.00002; gnomAD 0.00006 and 0.00009; TOPMed 0.00008.
gnomAD v4.1: 18 of 1,613,726 alleles (0.0011%); highest among the groups gnomAD compares: African/African-American, 0.024%; no homozygotes.

Submissions (2):

Ambry Genetics
Classification: Uncertain significance. Last evaluated: 2023-03-24. Review status: criteria provided, single submitter. Criteria: Ambry Variant Classification Scheme 2023. Collection method: clinical testing. Allele origin: germline.

Labcorp Genetics (formerly Invitae), Labcorp
Classification: Uncertain significance for Primary ciliary dyskinesia. Last evaluated: 2021-08-30. Review status: criteria provided, single submitter. Criteria: Invitae Variant Classification Sherloc (09022015). Collection method: clinical testing. Allele origin: germline.
Comment: This sequence change replaces methionine with threonine at codon 219 of the DNAH8 protein (p.Met219Thr). The methionine residue is moderately conserved and there is a moderate physicochemical difference between methionine and threonine. This variant is present in population databases (rs761327493, ExAC 0.03%). This variant has not been reported in the literature in individuals affected with DNAH8-related conditions. Algorithms developed to predict the effect of missense changes on protein structure and function are either unavailable or do not agree on the potential impact of this missense change (SIFT: "Deleterious"; PolyPhen-2: "Not Available"; Align-GVGD: "Class C0"). In summary, the available evidence is currently insufficient to determine the role of this variant in disease. Therefore, it has been classified as a Variant of Uncertain Significance.